The following is an entry in ClinVar:

NM_025114.4(CEP290):c.5587-14_5588del

Gene: CEP290 (centrosomal protein 290; minus strand). Cytogenetic location: 12q21.32.
Variant type: Deletion.
Coding change: c.5587-14_5588del on transcript NM_025114.4 (MANE Select); 14 bases into the intron before coding-DNA position 5587 through coding-DNA position 5588, 16 bases deleted (ATTTTATTTTTTAGGG).
Molecular consequence: splice acceptor variant.
Genome position (GRCh38, 1-based): chr12:88,077,343-88,077,358, CCCTAAAAAATAAAAT deleted on the plus strand (ATTTTATTTTTTAGGG on the coding strand, the reverse complement: CEP290 is on the minus strand). VCF-style (leftmost placement, unchanged base first): chr12-88077342-GCCCTAAAAAATAAAAT-G. GRCh37 (hg19) VCF-style: chr12-88471119-GCCCTAAAAAATAAAAT-G.
Identifiers: ClinVar variation 2942749 (VCV002942749.3), dbSNP rs2499844187, ClinGen allele CA2740092460.

ClinVar aggregate classification (germline): Likely pathogenic (1 of 4 stars; one submission).

Conditions:
Joubert syndrome. Also called: CEREBELLOPARENCHYMAL DISORDER IV; JOUBERT-BOLTSHAUSER SYNDROME; Familial aplasia of the vermis. Identifiers: Orphanet 475, MedGen C5979921, MONDO:0018772.
Nephronophthisis. Also called: Juvenile Nephronophthisis. Identifiers: Orphanet 655, MedGen C0687120, MONDO:0019005, HP:0000090.
Meckel-Gruber syndrome. Also called: DYSENCEPHALIA SPLANCHNOCYSTICA; GRUBER SYNDROME; Dysencephalia splachnocystica. Identifiers: Orphanet 564, MedGen C0265215, MONDO:0018921.

Submission:

Labcorp Genetics (formerly Invitae), Labcorp
Classification: Likely pathogenic for Joubert syndrome; Meckel-Gruber syndrome; Nephronophthisis. Last evaluated: 2023-12-13. Review status: criteria provided, single submitter. Criteria: Invitae Variant Classification Sherloc (09022015). Collection method: clinical testing. Allele origin: germline.
Comment: This variant results in the deletion of part of exon 41 (c.5587-14_5588del) of the CEP290 gene. It is expected to disrupt RNA splicing. Variants that disrupt the donor or acceptor splice site typically lead to a loss of protein function (PMID: 16199547), and loss-of-function variants in CEP290 are known to be pathogenic (PMID: 16909394, 17345604, 20690115). This variant is not present in population databases (gnomAD no frequency). This variant has not been reported in the literature in individuals affected with CEP290-related conditions. In summary, the currently available evidence indicates that the variant is pathogenic, but additional data are needed to prove that conclusively. Therefore, this variant has been classified as Likely Pathogenic.

Literature cited by the submitters: PubMed 16199547; PubMed 16909394; PubMed 17345604; PubMed 20690115.